The following is an entry in ClinVar:

NM_001379286.1(ZNF423):c.2441A>T (p.Lys814Met)

Gene: ZNF423 (zinc finger protein 423; minus strand). Cytogenetic location: 16q12.1.
Variant type: single nucleotide variant.
Coding change: c.2441A>T on transcript NM_001379286.1 (MANE Select); coding-DNA position 2441, A replaced by T.
Protein change: p.Lys814Met; replaces lysine 814 with methionine.
Molecular consequence: missense variant.
Genome position (GRCh38, 1-based): chr16:49,636,735, T>A on the plus strand (A>T on the coding strand, the complement: ZNF423 is on the minus strand). VCF-style: chr16-49636735-T-A. GRCh37 (hg19) VCF-style: chr16-49670646-T-A.
Other names: c.2237A>T, p.Lys746Met (NM_001271620.2); c.2066A>T, p.Lys689Met (NM_001330533.2); c.2417A>T, p.Lys806Met (NM_015069.5); short protein forms K746M, K806M, K689M, K814M.
Identifiers: ClinVar variation 1497311 (VCV001497311.6), dbSNP rs777844115, ClinGen allele CA395842991.

ClinVar aggregate classification (germline): Uncertain significance (1 of 4 stars; one submission).

Conditions:
Nephronophthisis 14 (NPHP14). Identifiers: Orphanet 2318, MedGen C3539071, MONDO:0013916, OMIM 614844.

Submission:

Labcorp Genetics (formerly Invitae), Labcorp
Classification: Uncertain significance for Nephronophthisis 14. Last evaluated: 2022-09-13. Review status: criteria provided, single submitter. Criteria: Invitae Variant Classification Sherloc (09022015). Collection method: clinical testing. Allele origin: germline.
Comment: This variant has not been reported in the literature in individuals affected with ZNF423-related conditions. ClinVar contains an entry for this variant (Variation ID: 1497311). Advanced modeling of protein sequence and biophysical properties (such as structural, functional, and spatial information, amino acid conservation, physicochemical variation, residue mobility, and thermodynamic stability) performed at Invitae indicates that this missense variant is not expected to disrupt ZNF423 protein function. In summary, the available evidence is currently insufficient to determine the role of this variant in disease. Therefore, it has been classified as a Variant of Uncertain Significance. This variant is not present in population databases (gnomAD no frequency). This sequence change replaces lysine, which is basic and polar, with methionine, which is neutral and non-polar, at codon 806 of the ZNF423 protein (p.Lys806Met).